The following is an entry in ClinVar:

ClinVar aggregate classification (germline): Pathogenic (1 of 4 stars; one submission).

Conditions:
Neurofibromatosis, type 1 (NF1). Also called: VON RECKLINGHAUSEN DISEASE; Peripheral type neurofibromatosis; Neurofibromatosis, type I; NEUROFIBROMATOSIS, TYPE I, SOMATIC. Identifiers: Orphanet 636, MedGen C0027831, MONDO:0018975, OMIM 162200. Disease mechanism: loss of function.

Submission:

Labcorp Genetics (formerly Invitae), Labcorp
Classification: Pathogenic for Neurofibromatosis, type 1. Last evaluated: 2021-08-29. Review status: criteria provided, single submitter. Criteria: Invitae Variant Classification Sherloc (09022015). Collection method: clinical testing. Allele origin: germline.
Comment: This sequence change creates a premature translational stop signal (p.Gly1385Glufs*22) in the NF1 gene. It is expected to result in an absent or disrupted protein product. Loss-of-function variants in NF1 are known to be pathogenic (PMID: 10712197, 23913538). This variant is not present in population databases (ExAC no frequency). This premature translational stop signal has been observed in individual(s) with neurofibromatosis type 1 (PMID: 8081387). For these reasons, this variant has been classified as Pathogenic.

Literature cited by the submitters: PubMed 10712197; PubMed 23913538; PubMed 8081387.

NM_001042492.3(NF1):c.4215del (p.Gly1406fs)

Gene: NF1 (neurofibromin 1; plus strand). Cytogenetic location: 17q11.2.
Variant type: Deletion.
Coding change: c.4215del on transcript NM_001042492.3 (MANE Select); coding-DNA position 4215, one base deleted (A; older notation c.4215delA).
Protein change: p.Gly1406fs; shifts the reading frame from glycine 1406.
Molecular consequence: frameshift variant.
Genome position (GRCh38, 1-based): chr17:31,258,385, A deleted. VCF-style (leftmost placement, unchanged base first): chr17-31258384-TA-T. GRCh37 (hg19) VCF-style: chr17-29585402-TA-T.
Other names: c.4152delA, p.Gly1385Glufs (NM_000267.4); short protein forms G1385fs, G1406fs.
Identifiers: ClinVar variation 1351596 (VCV001351596.6), dbSNP rs2151461902, ClinGen allele CA2573153591.